The following is an entry in ClinVar:

ClinVar aggregate classification (germline): Uncertain significance. Review status: criteria provided, single submitter (1 of 4 stars). 2 submissions from 2 submitters: Uncertain significance (1). 1 of the submissions does not count toward it. Last evaluated 2024-04-03.

Conditions:
KIDINS220-related disorder. Also called: KIDINS220-related condition.

Submissions (2):

Labcorp Genetics (formerly Invitae), Labcorp
Classification: Uncertain significance. Last evaluated: 2024-04-03. Review status: criteria provided, single submitter. Criteria: Invitae Variant Classification Sherloc (09022015). Collection method: clinical testing. Allele origin: germline.
Comment: This sequence change replaces glycine, which is neutral and non-polar, with arginine, which is basic and polar, at codon 1153 of the KIDINS220 protein (p.Gly1153Arg). This variant is not present in population databases (gnomAD no frequency). This variant has not been reported in the literature in individuals affected with KIDINS220-related conditions. Experimental studies and prediction algorithms are not available or were not evaluated, and the functional significance of this variant is currently unknown. In summary, the available evidence is currently insufficient to determine the role of this variant in disease. Therefore, it has been classified as a Variant of Uncertain Significance.

PreventionGenetics, part of Exact Sciences
Classification: Uncertain significance for KIDINS220-related condition. Last evaluated: 2024-05-17. Review status: no assertion criteria provided. Collection method: clinical testing. Allele origin: germline. Not counted in ClinVar's aggregate classification.
Comment: The KIDINS220 c.3457G>C variant is predicted to result in the amino acid substitution p.Gly1153Arg. To our knowledge, this variant has not been reported in the literature or in a large population database, indicating this variant is rare. At this time, the clinical significance of this variant is uncertain due to the absence of conclusive functional and genetic evidence.

NM_020738.4(KIDINS220):c.3457G>C (p.Gly1153Arg)

Gene: KIDINS220 (kinase D interacting substrate 220; minus strand). Cytogenetic location: 2p25.1.
Variant type: single nucleotide variant.
Coding change: c.3457G>C on transcript NM_020738.4 (MANE Select); coding-DNA position 3457, G replaced by C.
Protein change: p.Gly1153Arg; replaces glycine 1153 with arginine.
Molecular consequence: missense variant. On other transcripts: non-coding transcript variant (1), intron variant (8).
Genome position (GRCh38, 1-based): chr2:8,747,958, C>G on the plus strand (G>C on the coding strand, the complement: KIDINS220 is on the minus strand). VCF-style: chr2-8747958-C-G. GRCh37 (hg19) VCF-style: chr2-8888088-C-G.
Other names: c.3460G>C, p.Gly1154Arg (NM_001348729.2, NM_001348731.2); c.3457G>C, p.Gly1153Arg (NM_001348732.2, NM_001348738.2); c.3414+2154G>C (NM_001348741.2, NM_001348742.2, NM_001348743.2 and 1 more transcripts); c.3417+2154G>C (NM_001348739.2, NM_001348740.2, NM_001348734.2); c.3288+2154G>C (NM_001348736.2); short protein forms G1153R, G1154R.
Identifiers: ClinVar variation 3344381 (VCV003344381.3).